The following is an entry in ClinVar:

ClinVar aggregate classification (germline): Likely benign (1 of 4 stars; one submission).

gnomAD v4.1: 11 of 1,607,700 alleles (0.00068%); highest among the groups gnomAD compares: South Asian, 0.011%; no homozygotes.

Submission:

CeGaT Center for Human Genetics Tuebingen
Classification: Likely benign. Last evaluated: 2026-04-01. Review status: criteria provided, single submitter. Criteria: CeGaT Center For Human Genetics Tuebingen Variant Classification Criteria Version 2. Collection method: clinical testing. Allele origin: germline. Affected: yes. Observed: 1 variant allele.
Comment: KMT2E: BP4, BP7

NM_182931.3(KMT2E):c.2172T>A (p.Pro724=)

Gene: KMT2E (lysine methyltransferase 2E (inactive); plus strand). Cytogenetic location: 7q22.3.
Variant type: single nucleotide variant.
Coding change: c.2172T>A on transcript NM_182931.3 (MANE Select); coding-DNA position 2172, T replaced by A.
Protein change: p.Pro724=; no amino-acid change (proline 724 retained).
Molecular consequence: synonymous variant.
Genome position (GRCh38, 1-based): chr7:105,102,170, T>A. VCF-style: chr7-105102170-T-A. GRCh37 (hg19) VCF-style: chr7-104742617-T-A.
Other names: c.2172T>A, p.Pro724= (NM_001410908.1, NM_018682.4).
Identifiers: ClinVar variation 4873423 (VCV004873423.2).
Genomic context (GRCh38, chr7:105,102,170, plus strand): 5'-TGAAACTGCACTAGCAGAAATAATTACTGAAACTGAAGTTCCAGCACTTAATAAATGTCC[T>A]ACCAAGTACCCCAAAACAAAGAAGGTATGATTCTAATGAATGTAAGAACTGTTTTTCTAA-3'
Protein context (NP_891847.1, residues 714-734): ETEVPALNKC[Pro724=]TKYPKTKKHL